The following is an entry in ClinVar:

ClinVar aggregate classification (germline): Pathogenic. Review status: reviewed by expert panel (3 of 4 stars). 8 submissions from 8 submitters: Pathogenic (1). 7 of the submissions do not count toward it. Last evaluated 2016-09-08.

Conditions:
Hereditary cancer-predisposing syndrome. Also called: Tumor predisposition; Neoplastic Syndromes, Hereditary; Hereditary Cancer Syndrome; Hereditary neoplastic syndrome. Identifiers: Orphanet 140162, MedGen C0027672, MeSH D009386, MONDO:0015356.
Hereditary breast ovarian cancer syndrome. Also called: Hereditary breast and/or ovarian cancer syndrome; Hereditary breast and ovarian cancer; Hereditary breast and ovarian cancer syndrome (HBOC); BRCA1- and BRCA2-Associated Hereditary Breast and Ovarian Cancer; Breast and ovarian cancer; Hereditary breast and ovarian cancer syndrome. Identifiers: Orphanet 145, MedGen C0677776, MeSH D061325, MONDO:0003582. Disease mechanism: loss of function.
Breast-ovarian cancer, familial, susceptibility to, 2 (BROVCA2). Also called: BRCA2 Hereditary Breast and Ovarian Cancer. Identifiers: Orphanet 145, MedGen C2675520, MONDO:0012933, OMIM 612555. Disease mechanism: loss of function.

Submissions (8):

Evidence-based Network for the Interpretation of Germline Mutant Alleles (ENIGMA)
Classification: Pathogenic for Breast-ovarian cancer, familial, susceptibility to, 2. Last evaluated: 2016-09-08. Review status: reviewed by expert panel. Criteria: ENIGMA BRCA1/2 Classification Criteria (2015). Collection method: curation. Allele origin: germline.
Comment: Variant allele predicted to encode a truncated non-functional protein.

Women's Health and Genetics/Laboratory Corporation of America, LabCorp
Classification: Pathogenic for Hereditary breast ovarian cancer syndrome. Last evaluated: 2023-10-09. Review status: criteria provided, single submitter. Criteria: LabCorp Variant Classification Summary - May 2015. Collection method: clinical testing. Allele origin: germline. Not counted in ClinVar's aggregate classification.
Comment: Variant summary: BRCA2 c.3336delA (p.Glu1113AsnfsX6) results in a premature termination codon, predicted to cause absence of the protein due to nonsense mediated decay, which is a commonly known mechanism for disease. The variant was absent in 238638 control chromosomes. To our knowledge, no occurrence of c.3336delA in individuals affected with Hereditary Breast And Ovarian Cancer Syndrome and no experimental evidence demonstrating its impact on protein function have been reported. Five submitters have cited clinical-significance assessments for this variant to ClinVar after 2014. All submitters classified the variant as pathogenic/likely pathogenic. Based on the evidence outlined above, the variant was classified as pathogenic.

Ambry Genetics
Classification: Pathogenic for Hereditary cancer-predisposing syndrome. Last evaluated: 2023-06-27. Review status: criteria provided, single submitter. Criteria: Ambry Variant Classification Scheme 2023. Collection method: clinical testing. Allele origin: germline. Not counted in ClinVar's aggregate classification.
Comment: The c.3336delA pathogenic mutation, located in coding exon 10 of the BRCA2 gene, results from a deletion of one nucleotide at nucleotide position 3336, causing a translational frameshift with a predicted alternate stop codon (p.E1113Nfs*6). This variant is considered to be rare based on population cohorts in the Genome Aggregation Database (gnomAD). This alteration is expected to result in loss of function by premature protein truncation or nonsense-mediated mRNA decay. As such, this alteration is interpreted as a disease-causing mutation.

Labcorp Genetics (formerly Invitae), Labcorp
Classification: Pathogenic for Hereditary breast ovarian cancer syndrome. Last evaluated: 2023-04-06. Review status: criteria provided, single submitter. Criteria: Invitae Variant Classification Sherloc (09022015). Collection method: clinical testing. Allele origin: germline. Not counted in ClinVar's aggregate classification.
Comment: This variant is not present in population databases (gnomAD no frequency). For these reasons, this variant has been classified as Pathogenic. ClinVar contains an entry for this variant (Variation ID: 91798). This premature translational stop signal has been observed in individual(s) with clinical features of BRCA2-related conditions (PMID: 21520333). This sequence change creates a premature translational stop signal (p.Glu1113Asnfs*6) in the BRCA2 gene. It is expected to result in an absent or disrupted protein product. Loss-of-function variants in BRCA2 are known to be pathogenic (PMID: 20104584).

Molecular Genetics Laboratory, University of Michigan
Classification: Pathogenic for Breast-ovarian cancer, familial, susceptibility to, 2. Last evaluated: 2016-04-21. Review status: criteria provided, single submitter. Criteria: ACMG Guidelines, 2015. Collection method: clinical testing. Allele origin: germline. Affected: yes. Not counted in ClinVar's aggregate classification.

Quest Diagnostics Nichols Institute San Juan Capistrano
Classification: Pathogenic for Breast-ovarian cancer, familial, susceptibility to, 2. Last evaluated: 2015-06-03. Review status: criteria provided, single submitter. Criteria: Quest Diagnostics criteria. Collection method: clinical testing. Allele origin: germline. Inheritance: Autosomal dominant inheritance. Not counted in ClinVar's aggregate classification.

Counsyl
Classification: Likely pathogenic for Breast-ovarian cancer, familial, susceptibility to, 2. Last evaluated: 2016-10-27. Review status: no assertion criteria provided. Collection method: clinical testing. Allele origin: unknown. Not counted in ClinVar's aggregate classification.

Sharing Clinical Reports Project (SCRP)
Classification: Pathogenic for Breast-ovarian cancer, familial 2. Last evaluated: 2007-06-11. Review status: no assertion criteria provided. Collection method: clinical testing. Allele origin: germline. Not counted in ClinVar's aggregate classification.

Literature cited by the submitters: PubMed 21520333 (cited by Labcorp Genetics (formerly Invitae), Labcorp); PubMed 20104584 (cited by Labcorp Genetics (formerly Invitae), Labcorp); PubMed 26295337 (cited by Quest Diagnostics Nichols Institute San Juan Capistrano).

NM_000059.4(BRCA2):c.3336del (p.Glu1113fs)

Gene: BRCA2 (BRCA2 DNA repair associated; plus strand). Cytogenetic location: 13q13.1.
Variant type: Deletion.
Coding change: c.3336del on transcript NM_000059.4 (MANE Select); coding-DNA position 3336, one base deleted (A; older notation c.3336delA).
Protein change: p.Glu1113fs; shifts the reading frame from glutamic acid 1113.
Molecular consequence: frameshift variant.
Genome position (GRCh38, 1-based): chr13:32,337,691, A deleted. VCF-style (leftmost placement, unchanged base first): chr13-32337690-CA-C. GRCh37 (hg19) VCF-style: chr13-32911827-CA-C.
Other names: 3564delA; c.3336delA (NM_000059.3, NM_000059.4).
Identifiers: ClinVar variation 91798 (VCV000091798.18), dbSNP rs398122763, ClinGen allele CA017804.